The following is an entry in ClinVar:

NM_001170629.2(CHD8):c.7638TGA[2] (p.Asp2549del)

Gene: CHD8 (chromodomain helicase DNA binding protein 8; minus strand). Cytogenetic location: 14q11.2.
Variant type: Microsatellite.
Coding change: c.7638TGA[2] on transcript NM_001170629.2 (MANE Select); two copies in a row of the 3-base unit TGA starting at c.7638; the reference has three copies in a row; one copy, 3 bases deleted.
Protein change: p.Asp2549del; deletes aspartic acid 2549.
Molecular consequence: inframe deletion.
Genome position (GRCh38, 1-based): chr14:21,385,713-21,385,715, TCA deleted on the plus strand (TGA on the coding strand, the reverse complement: CHD8 is on the minus strand); deleting any 3 consecutive bases within chr14:21,385,713-21,385,723 gives the same sequence; the position shown is the placement nearest the transcript's 3' end. VCF-style (leftmost placement, unchanged base first): chr14-21385712-GTCA-G. GRCh37 (hg19) VCF-style: chr14-21853871-GTCA-G.
Other names: c.6801TGA[2], p.Asp2270del (NM_020920.4); short protein forms D2270del, D2549del.
Identifiers: ClinVar variation 2429995 (VCV002429995.4), dbSNP rs1372483405, ClinGen allele CA704106218.

ClinVar aggregate classification (germline): Conflicting classifications of pathogenicity. Review status: criteria provided, conflicting classifications (1 of 4 stars). 2 submissions from 2 submitters: Uncertain significance (1); Likely benign (1). Last evaluated 2024-02-10.

Conditions:
Autism spectrum disorder. Also called: Autism spectrum disorders. Identifiers: MedGen C1510586, MeSH D000067877, MONDO:0005258.

Submissions (2):

Labcorp Genetics (formerly Invitae), Labcorp
Classification: Uncertain significance. Last evaluated: 2024-02-10. Review status: criteria provided, single submitter. Criteria: Invitae Variant Classification Sherloc (09022015). Collection method: clinical testing. Allele origin: germline.
Comment: This variant, c.7644_7646del, results in the deletion of 1 amino acid(s) of the CHD8 protein (p.Asp2549del), but otherwise preserves the integrity of the reading frame. This variant is not present in population databases (gnomAD no frequency). This variant has not been reported in the literature in individuals affected with CHD8-related conditions. Experimental studies and prediction algorithms are not available or were not evaluated, and the functional significance of this variant is currently unknown. In summary, the available evidence is currently insufficient to determine the role of this variant in disease. Therefore, it has been classified as a Variant of Uncertain Significance.

Department of Genetics, Rouen University Hospital, Normandy Center for Genomic and Personalized Medicine
Classification: Likely benign for Autism spectrum disorder. Review status: criteria provided, single submitter. Criteria: ACMG Guidelines, 2015. Collection method: clinical testing. Allele origin: paternal. Affected: yes.